The following is an entry in ClinVar:

ClinVar aggregate classification (germline): Pathogenic (1 of 4 stars; one submission).

Conditions:
Visceral myopathy 1 (VSCM1). Also called: Visceral myopathy; Infantile visceral myopathy; ACTG2 Visceral Myopathy. Identifiers: Orphanet 2604, MedGen C5542197, MONDO:0020754, OMIM 155310.

Submission:

Wangler Lab, Baylor College of Medicine
Classification: Pathogenic for Visceral myopathy 1. Last evaluated: 2019-10-04. Review status: criteria provided, single submitter. Criteria: Submitter's publication. Collection method: case-control. Allele origin: de novo. Inheritance: Autosomal dominant inheritance. Affected: yes.
Comment: Identified as a de novo event in our MMIHS clinical cohort

NM_001615.4(ACTG2):c.116C>T (p.Pro39Leu)

Gene: ACTG2 (actin gamma 2, smooth muscle; plus strand). Cytogenetic location: 2p13.1.
Variant type: single nucleotide variant.
Coding change: c.116C>T on transcript NM_001615.4 (MANE Select); coding-DNA position 116, C replaced by T.
Protein change: p.Pro39Leu; replaces proline 39 with leucine.
Molecular consequence: missense variant.
Genome position (GRCh38, 1-based): chr2:73,901,427, C>T. VCF-style: chr2-73901427-C-T. GRCh37 (hg19) VCF-style: chr2-74128554-C-T.
Other names: c.116C>T, p.Pro39Leu (NM_001199893.2); short protein forms P39L.
Identifiers: ClinVar variation 694268 (VCV000694268.3), dbSNP rs1573461481, ClinGen allele CA347301774.